The following is an entry in ClinVar:

ClinVar aggregate classification (germline): Uncertain significance (1 of 4 stars; one submission).

Conditions:
Autosomal recessive limb-girdle muscular dystrophy type R18 (LGMDR18). Also called: Limb-girdle muscular dystrophy, type 2S; MUSCULAR DYSTROPHY, LIMB-GIRDLE, AUTOSOMAL RECESSIVE 18; Autosomal recessive limb-girdle muscular dystrophy type 2S. Identifiers: Orphanet 369840, MedGen C4517996, MONDO:0014144, OMIM 615356.

Allele frequency attached by ClinVar (database versions not stated): gnomAD 0.00001; gnomAD exomes 0.00001 and 0.00002; TOPMed 0.00002.
gnomAD v4.1: 32 of 1,613,258 alleles (0.002%); highest among the groups gnomAD compares: Non-Finnish European, 0.0025%; no homozygotes.

Submission:

Labcorp Genetics (formerly Invitae), Labcorp
Classification: Uncertain significance for Autosomal recessive limb-girdle muscular dystrophy type R18. Last evaluated: 2022-07-26. Review status: criteria provided, single submitter. Criteria: Invitae Variant Classification Sherloc (09022015). Collection method: clinical testing. Allele origin: germline.
Comment: This sequence change falls in intron 28 of the TRAPPC11 gene. It does not directly change the encoded amino acid sequence of the TRAPPC11 protein. It affects a nucleotide within the consensus splice site. This variant is present in population databases (no rsID available, gnomAD 0.002%). This variant has not been reported in the literature in individuals affected with TRAPPC11-related conditions. ClinVar contains an entry for this variant (Variation ID: 1045039). Variants that disrupt the consensus splice site are a relatively common cause of aberrant splicing (PMID: 17576681, 9536098). Algorithms developed to predict the effect of sequence changes on RNA splicing suggest that this variant is not likely to affect RNA splicing. In summary, the available evidence is currently insufficient to determine the role of this variant in disease. Therefore, it has been classified as a Variant of Uncertain Significance.

Literature cited by the submitters: PubMed 17576681; PubMed 9536098.

NM_021942.6(TRAPPC11):c.3189+4C>T

Gene: TRAPPC11 (trafficking protein particle complex subunit 11; plus strand). Cytogenetic location: 4q35.1.
Variant type: single nucleotide variant.
Coding change: c.3189+4C>T on transcript NM_021942.6 (MANE Select); 4 bases into the intron after coding-DNA position 3189, C replaced by T.
Molecular consequence: intron variant.
Genome position (GRCh38, 1-based): chr4:183,706,944, C>T. VCF-style: chr4-183706944-C-T. GRCh37 (hg19) VCF-style: chr4-184628097-C-T.
Other names: c.3189+4C>T (NM_199053.3).
Identifiers: ClinVar variation 1045039 (VCV001045039.6), dbSNP rs964098072, ClinGen allele CA111869315.